The following is an entry in ClinVar:

ClinVar aggregate classification (germline): Likely benign. Review status: criteria provided, multiple submitters, no conflicts (2 of 4 stars). 2 submissions from 2 submitters: Likely benign (2). Last evaluated 2025-06-04.

Conditions:
HPS6-related disorder. Also called: HPS6-related condition.

Allele frequency attached by ClinVar (database versions not stated): gnomAD exomes below 0.00001; gnomAD 0.00002; TOPMed 0.00004; ESP Exome Variant Server 0.00015.

Submissions (2):

PreventionGenetics, part of Exact Sciences
Classification: Likely benign for HPS6-related condition. Last evaluated: 2025-06-04. Review status: criteria provided, single submitter. Criteria: ACMG Guidelines, 2015. Collection method: clinical testing. Allele origin: germline.
Comment: This variant is classified as likely benign based on ACMG/AMP sequence variant interpretation guidelines (Richards et al. 2015 PMID: 25741868, with internal and published modifications).

Labcorp Genetics (formerly Invitae), Labcorp
Classification: Likely benign. Last evaluated: 2025-03-06. Review status: criteria provided, single submitter. Criteria: Invitae Variant Classification Sherloc (09022015). Collection method: clinical testing. Allele origin: germline.

NM_024747.6(HPS6):c.2022G>C (p.Leu674=)

Gene: HPS6 (HPS6 biogenesis of lysosomal organelles complex 2 subunit 3; plus strand). Cytogenetic location: 10q24.32.
Variant type: single nucleotide variant.
Coding change: c.2022G>C on transcript NM_024747.6 (MANE Select); coding-DNA position 2022, G replaced by C.
Protein change: p.Leu674=; no amino-acid change (leucine 674 retained).
Molecular consequence: synonymous variant.
Genome position (GRCh38, 1-based): chr10:102,067,496, G>C. VCF-style: chr10-102067496-G-C. GRCh37 (hg19) VCF-style: chr10-103827253-G-C.
Other names: c.2022G>C (NM_024747.5).
Identifiers: ClinVar variation 1460310 (VCV001460310.9), dbSNP rs370561658, ClinGen allele CA212202237.